The following is an entry in ClinVar:

NM_007294.4(BRCA1):c.5352A>C (p.Val1784=)

Gene: BRCA1 (BRCA1 DNA repair associated; minus strand). Cytogenetic location: 17q21.31.
Variant type: single nucleotide variant.
Coding change: c.5352A>C on transcript NM_007294.4 (MANE Select); coding-DNA position 5352, A replaced by C.
Protein change: p.Val1784=; no amino-acid change (valine 1784 retained).
Molecular consequence: synonymous variant. On other transcripts: intron variant (19).
Genome position (GRCh38, 1-based): chr17:43,049,175, T>G on the plus strand (A>C on the coding strand, the complement: BRCA1 is on the minus strand). VCF-style: chr17-43049175-T-G. GRCh37 (hg19) VCF-style: chr17-41201192-T-G.
Other names: c.5210-1472A>C (NM_001407937.1, NM_001407938.1); c.5278-1472A>C (NM_001407684.1); c.5139A>C, p.Val1713= (NM_001407571.1, NM_001407894.1, NM_001407895.1 and 12 more transcripts); c.5418A>C, p.Val1806= (NM_001407581.1, NM_001407582.1); c.5415A>C, p.Val1805= (NM_001407583.1, NM_001407585.1, NM_001407587.1 and 1 more transcripts); c.5412A>C, p.Val1804= (NM_001407590.1, NM_001407591.1); c.5352A>C, p.Val1784= (NM_001407593.1, NM_001407594.1, NM_001407596.1 and 5 more transcripts); c.5349A>C, p.Val1783= (NM_001407610.1, NM_001407611.1, NM_001407612.1 and 14 more transcripts); and 84 more.
Identifiers: ClinVar variation 868029 (VCV000868029.3), dbSNP rs767459025, ClinGen allele CA500143314.

Conditions:
Breast-ovarian cancer, familial, susceptibility to, 1 (BROVCA1). Also called: BRCA1 Hereditary Breast and Ovarian Cancer; OVARIAN CANCER, SUSCEPTIBILITY TO. Identifiers: Orphanet 145, MedGen C2676676, MONDO:0011450, OMIM 604370. Disease mechanism: loss of function.

Submission:

Brotman Baty Institute, University of Washington
No classification provided (evidence only). Condition: Breast-ovarian cancer, familial 1. Review status: no classification provided. Collection method: in vitro. Allele origin: not applicable. Functional consequence: functionally_normal.
ClinVar note: "not provided" was previously submitted as the classification for the variant. However, the classification appeared to be based only on an observation of functional data so it was converted to no classification on 2025-07-30.